The following is an entry in ClinVar:

ClinVar aggregate classification (germline): Pathogenic (1 of 4 stars; one submission).

Conditions:
Maturity-onset diabetes of the young (MODY). Also called: Maturity onset diabetes mellitus in young. Identifiers: Orphanet 552, MedGen C0342276, MONDO:0018911, HP:0004904.

Allele frequency attached by ClinVar (database versions not stated): ExAC 0.00001.

Submission:

Clinical Genomics, Uppaluri K&H Personalized Medicine Clinic
Classification: Pathogenic for Maturity-onset diabetes of the young. Review status: criteria provided, single submitter. Criteria: K & H Uppaluri Personalized Medicine Clinic Variant Classification & Assertion Criteria_Updated V.1. Collection method: research. Allele origin: unknown. Inheritance: Autosomal dominant inheritance.
Comment: Mutations in HNF1A gene can predispose to MODY3. It is associated with both micro and macrovascular complications of diabetes, especially cardiovascular complications. Associated with glucosuria. May respond well to sulfonylureas. Sufficient evidence is found to confer the association of this particular variant rs766956862 with MODY3.

Literature cited by the submitters: PubMed 33477506.

NM_000545.8(HNF1A):c.160C>G (p.Arg54Gly)

Gene: HNF1A (HNF1 homeobox A; plus strand). Cytogenetic location: 12q24.31.
Variant type: single nucleotide variant.
Coding change: c.160C>G on transcript NM_000545.8 (MANE Select); coding-DNA position 160, C replaced by G.
Protein change: p.Arg54Gly; replaces arginine 54 with glycine.
Molecular consequence: missense variant.
Genome position (GRCh38, 1-based): chr12:120,978,928, C>G. VCF-style: chr12-120978928-C-G. GRCh37 (hg19) VCF-style: chr12-121416731-C-G.
Other names: c.160C>G, p.Arg54Gly (NM_001306179.2, NM_001406915.1); short protein forms R54G.
Identifiers: ClinVar variation 1802525 (VCV001802525.1), dbSNP rs766956862, ClinGen allele CA6831681.